The following is an entry in ClinVar:

NM_001457.4(FLNB):c.6988G>A (p.Val2330Met)

Gene: FLNB (filamin B; plus strand). Cytogenetic location: 3p14.3.
Variant type: single nucleotide variant.
Coding change: c.6988G>A on transcript NM_001457.4 (MANE Select); coding-DNA position 6988, G replaced by A.
Protein change: p.Val2330Met; replaces valine 2330 with methionine.
Molecular consequence: missense variant.
Genome position (GRCh38, 1-based): chr3:58,159,653, G>A. VCF-style: chr3-58159653-G-A. GRCh37 (hg19) VCF-style: chr3-58145380-G-A.
Other names: c.7081G>A, p.Val2361Met (NM_001164317.2); c.6955G>A, p.Val2319Met (NM_001164318.2); c.6916G>A, p.Val2306Met (NM_001164319.2); short protein forms V2361M, V2330M, V2306M, V2319M.
Identifiers: ClinVar variation 3023379 (VCV003023379.3), dbSNP rs766567619, ClinGen allele CA2469560.

ClinVar aggregate classification (germline): Uncertain significance (1 of 4 stars; one submission).

Allele frequency attached by ClinVar (database versions not stated): gnomAD exomes 0.00001; ExAC 0.00002.
gnomAD v4.1: 13 of 1,613,916 alleles (0.00081%); highest among the groups gnomAD compares: South Asian, 0.0022%; no homozygotes.

Submission:

Labcorp Genetics (formerly Invitae), Labcorp
Classification: Uncertain significance. Last evaluated: 2025-06-24. Review status: criteria provided, single submitter. Criteria: Invitae Variant Classification Sherloc (09022015). Collection method: clinical testing. Allele origin: germline.
Comment: This sequence change replaces valine, which is neutral and non-polar, with methionine, which is neutral and non-polar, at codon 2330 of the FLNB protein (p.Val2330Met). This variant is present in population databases (rs766567619, gnomAD 0.002%). This variant has not been reported in the literature in individuals affected with FLNB-related conditions. ClinVar contains an entry for this variant (Variation ID: 3023379). Invitae Evidence Modeling of protein sequence and biophysical properties (such as structural, functional, and spatial information, amino acid conservation, physicochemical variation, residue mobility, and thermodynamic stability) indicates that this missense variant is not expected to disrupt FLNB protein function with a negative predictive value of 95%. In summary, the available evidence is currently insufficient to determine the role of this variant in disease. Therefore, it has been classified as a Variant of Uncertain Significance.